The following is an entry in ClinVar:

ClinVar aggregate classification (germline): Pathogenic/Likely pathogenic. Review status: criteria provided, multiple submitters, no conflicts (2 of 4 stars). 3 submissions from 3 submitters: Pathogenic (2); Likely pathogenic (1). Last evaluated 2025-05-01.

Conditions:
Adenylosuccinate lyase deficiency (ADSLD). Also called: ADSL DEFICIENCY. Identifiers: Orphanet 46, MedGen C0268126, MONDO:0007068, OMIM 103050.

Allele frequency attached by ClinVar (database versions not stated): TOPMed below 0.00001; gnomAD 0.00001; gnomAD exomes 0.00001; ExAC 0.00002.
gnomAD v4.1: 19 of 1,613,588 alleles (0.0012%); highest among the groups gnomAD compares: South Asian, 0.0033%; no homozygotes.

Submissions (3):

GeneDx
Classification: Pathogenic. Last evaluated: 2025-05-01. Review status: criteria provided, single submitter. Criteria: GeneDx Variant Classification Process June 2021. Collection method: clinical testing. Allele origin: germline. Affected: yes.
Comment: Published functional studies demonstrate a damaging effect on enzyme activity (PMID: 17188615, 30573755); Identified in patients with ADSL-related adenylosuccinate lyase deficiency referred for genetic testing at an outside laboratory and in published literature (PMID: 17188615); In silico analysis supports that this missense variant has a deleterious effect on protein structure/function; Not observed at significant frequency in large population cohorts (gnomAD); This variant is associated with the following publications: (PMID: 21210713, 17188615, 30573755, 19405474, 20127976)

Labcorp Genetics (formerly Invitae), Labcorp
Classification: Pathogenic for Adenylosuccinate lyase deficiency. Last evaluated: 2025-04-22. Review status: criteria provided, single submitter. Criteria: Invitae Variant Classification Sherloc (09022015). Collection method: clinical testing. Allele origin: germline.
Comment: This sequence change replaces arginine, which is basic and polar, with cysteine, which is neutral and slightly polar, at codon 396 of the ADSL protein (p.Arg396Cys). This variant is present in population databases (rs755492501, gnomAD 0.003%). This missense change has been observed in individual(s) with adenylosuccinate lyase deficiency (PMID: 17188615). ClinVar contains an entry for this variant (Variation ID: 838200). Invitae Evidence Modeling of protein sequence and biophysical properties (such as structural, functional, and spatial information, amino acid conservation, physicochemical variation, residue mobility, and thermodynamic stability) indicates that this missense variant is expected to disrupt ADSL protein function with a positive predictive value of 80%. Experimental studies have shown that this missense change affects ADSL function (PMID: 19405474, 20127976). This variant disrupts the p.Arg396 amino acid residue in ADSL. Other variant(s) that disrupt this residue have been determined to be pathogenic (PMID: 12368987, 16839792, 19405474, 20127976). This suggests that this residue is clinically significant, and that variants that disrupt this residue are likely to be disease-causing. For these reasons, this variant has been classified as Pathogenic.

Institute of Medical Genetics and Applied Genomics, University Hospital Tübingen
Classification: Likely pathogenic. Last evaluated: 2020-10-23. Review status: criteria provided, single submitter. Criteria: ACMG Guidelines, 2015. Collection method: clinical testing. Allele origin: germline. Inheritance: Autosomal recessive inheritance. Affected: yes.

Literature cited by the submitters: PubMed 17188615 (cited by Labcorp Genetics (formerly Invitae), Labcorp); PubMed 19405474 (cited by Labcorp Genetics (formerly Invitae), Labcorp); PubMed 20127976 (cited by Labcorp Genetics (formerly Invitae), Labcorp); PubMed 12368987 (cited by Labcorp Genetics (formerly Invitae), Labcorp); PubMed 16839792 (cited by Labcorp Genetics (formerly Invitae), Labcorp).

NM_000026.4(ADSL):c.1186C>T (p.Arg396Cys)

Gene: ADSL (adenylosuccinate lyase; plus strand). Cytogenetic location: 22q13.1.
Variant type: single nucleotide variant.
Coding change: c.1186C>T on transcript NM_000026.4 (MANE Select); coding-DNA position 1186, C replaced by T.
Protein change: p.Arg396Cys; replaces arginine 396 with cysteine.
Molecular consequence: missense variant. On other transcripts: non-coding transcript variant (1).
Genome position (GRCh38, 1-based): chr22:40,364,360, C>T. VCF-style: chr22-40364360-C-T. GRCh37 (hg19) VCF-style: chr22-40760364-C-T.
Other names: c.1186C>T, p.Arg396Cys (NM_001123378.3, NM_001363840.3); c.994C>T, p.Arg332Cys (NM_001317923.2); short protein forms R396C, R332C.
Identifiers: ClinVar variation 838200 (VCV000838200.12), dbSNP rs755492501, ClinGen allele CA10247938.
Genomic context (GRCh38, chr22:40,364,360, plus strand): 5'-GAGCTGCCTTTCATGGCCACAGAGAACATCATCATGGCCATGGTCAAAGCTGGAGGTAGC[C>T]GCCAGGTTTGTAACCCCTCATGTTCCTGGATAAGTTGAGAGTGCACGTTTGGTCCTGCTC-3'
Protein context (NP_000017.1, residues 386-406): IMAMVKAGGS[Arg396Cys]QDCHEKIRVL